The following is an entry in ClinVar:

NM_001844.5(COL2A1):c.3725del (p.Asp1242fs)

Gene: COL2A1 (collagen type II alpha 1 chain; minus strand). Cytogenetic location: 12q13.11.
Variant type: Deletion.
Coding change: c.3725del on transcript NM_001844.5 (MANE Select); coding-DNA position 3725, one base deleted (A; older notation c.3725delA).
Protein change: p.Asp1242fs; shifts the reading frame from aspartic acid 1242.
Molecular consequence: frameshift variant.
Genome position (GRCh38, 1-based): chr12:47,975,478, T deleted on the plus strand (A on the coding strand, the reverse complement: COL2A1 is on the minus strand). VCF-style (leftmost placement, unchanged base first): chr12-47975477-GT-G. GRCh37 (hg19) VCF-style: chr12-48369260-GT-G.
Other names: c.3518del, p.Asp1173fs (NM_033150.3); short protein forms D1173fs, D1242fs.
Identifiers: ClinVar variation 4718365 (VCV004718365.1).

ClinVar aggregate classification (germline): Pathogenic (1 of 4 stars; one submission).

Submission:

Labcorp Genetics (formerly Invitae), Labcorp
Classification: Pathogenic. Last evaluated: 2025-04-26. Review status: criteria provided, single submitter. Criteria: Invitae Variant Classification Sherloc (09022015). Collection method: clinical testing. Allele origin: germline.
Comment: This sequence change creates a premature translational stop signal (p.Asp1242Alafs*7) in the COL2A1 gene. It is expected to result in an absent or disrupted protein product. Loss-of-function variants in COL2A1 are known to be pathogenic (PMID: 20179744). This variant is not present in population databases (gnomAD no frequency). This variant has not been reported in the literature in individuals affected with COL2A1-related conditions. For these reasons, this variant has been classified as Pathogenic.

Literature cited by the submitters: PubMed 20179744.